The following is an entry in ClinVar:

NM_001330700.2(TOP2B):c.3740C>T (p.Thr1247Ile)

Gene: TOP2B (DNA topoisomerase II beta; minus strand). Cytogenetic location: 3p24.2.
Variant type: single nucleotide variant.
Coding change: c.3740C>T on transcript NM_001330700.2 (MANE Select); coding-DNA position 3740, C replaced by T.
Protein change: p.Thr1247Ile; replaces threonine 1247 with isoleucine.
Molecular consequence: missense variant.
Genome position (GRCh38, 1-based): chr3:25,612,561, G>A on the plus strand (C>T on the coding strand, the complement: TOP2B is on the minus strand). VCF-style: chr3-25612561-G-A. GRCh37 (hg19) VCF-style: chr3-25654052-G-A.
Other names: c.3725C>T, p.Thr1242Ile (NM_001068.3); short protein forms T1242I, T1247I.
Identifiers: ClinVar variation 4189033 (VCV004189033.2).

ClinVar aggregate classification (germline): Uncertain significance. Review status: criteria provided, multiple submitters, no conflicts (2 of 4 stars). 2 submissions from 2 submitters: Uncertain significance (2). Last evaluated 2025-10-29.

gnomAD v4.1: 7 of 1,612,202 alleles (0.00043%); highest among the groups gnomAD compares: Non-Finnish European, 0.00059%; no homozygotes.

Submissions (2):

Labcorp Genetics (formerly Invitae), Labcorp
Classification: Uncertain significance. Last evaluated: 2025-10-29. Review status: criteria provided, single submitter. Criteria: Invitae Variant Classification Sherloc (09022015). Collection method: clinical testing. Allele origin: germline.
Comment: This sequence change replaces threonine, which is neutral and polar, with isoleucine, which is neutral and non-polar, at codon 1242 of the TOP2B protein (p.Thr1242Ile). This variant is not present in population databases (gnomAD no frequency). This variant has not been reported in the literature in individuals affected with TOP2B-related conditions. ClinVar contains an entry for this variant (Variation ID: 4189033). An algorithm developed to predict the effect of missense changes on protein structure and function (PolyPhen-2) suggests that this variant is likely to be disruptive. In summary, the available evidence is currently insufficient to determine the role of this variant in disease. Therefore, it has been classified as a Variant of Uncertain Significance.

Ambry Genetics
Classification: Uncertain significance. Last evaluated: 2025-08-31. Review status: criteria provided, single submitter. Criteria: Ambry Variant Classification Scheme 2023. Collection method: clinical testing. Allele origin: germline.